The following is an entry in ClinVar:

NM_001267550.2(TTN):c.33312del (p.Glu11105fs)

Gene: TTN (titin; minus strand). Cytogenetic location: 2q31.2.
Variant type: Deletion.
Coding change: c.33312del on transcript NM_001267550.2 (MANE Select); coding-DNA position 33312, one base deleted (A; older notation c.33312delA).
Protein change: p.Glu11105fs; shifts the reading frame from glutamic acid 11105.
Molecular consequence: frameshift variant. On other transcripts: intron variant (3).
Genome position (GRCh38, 1-based): chr2:178,681,107, T deleted on the plus strand (A on the coding strand, the reverse complement: TTN is on the minus strand); the first of 5 consecutive T bases (chr2:178,681,107-178,681,111); deleting any one gives the same sequence. VCF-style (leftmost placement, unchanged base first): chr2-178681106-CT-C. GRCh37 (hg19) VCF-style: chr2-179545833-CT-C.
Other names: c.32361del, p.Glu10788fs (NM_001256850.1); c.29580del, p.Glu9861fs (NM_133378.4); c.13283-38790del (NM_003319.4); c.13859-38790del (NM_133437.4); c.13658-38790del (NM_133432.3); short protein forms E9861fs, E10788fs, E11105fs.
Identifiers: ClinVar variation 4784920 (VCV004784920.1).

ClinVar aggregate classification (germline): Likely pathogenic (1 of 4 stars; one submission).

Conditions:
Autosomal recessive limb-girdle muscular dystrophy type 2J (LGMDR10). Also called: Limb-girdle muscular dystrophy, type 2J; MUSCULAR DYSTROPHY, LIMB-GIRDLE, AUTOSOMAL RECESSIVE 10. Identifiers: Orphanet 140922, MedGen C1837342, MONDO:0012127, OMIM 608807.
Dilated cardiomyopathy 1G (CMD1G). Identifiers: Orphanet 154, MedGen C1858763, MONDO:0011400, OMIM 604145.

Submission:

Labcorp Genetics (formerly Invitae), Labcorp
Classification: Likely pathogenic for Dilated cardiomyopathy 1G; Autosomal recessive limb-girdle muscular dystrophy type 2J. Last evaluated: 2025-05-06. Review status: criteria provided, single submitter. Criteria: Invitae Variant Classification Sherloc (09022015). Collection method: clinical testing. Allele origin: germline.
Comment: This sequence change creates a premature translational stop signal (p.Glu11105Serfs*3) in the TTN gene. While this is not anticipated to result in nonsense mediated decay, it is expected to create a truncated TTN protein. This variant is not present in population databases (gnomAD no frequency). This variant has not been reported in the literature in individuals affected with TTN-related conditions. Algorithms developed to predict the effect of sequence changes on RNA splicing suggest that this variant may disrupt the consensus splice site. This variant is located in the I band of TTN (PMID: 25589632). Truncating variants in this region have been reported in individuals affected with autosomal recessive centronuclear myopathy (PMID: 23975875, internal data). Truncating variants in this region have also been identified in individuals affected with autosomal dominant dilated cardiomyopathy and/or cardio-related conditions (PMID: 27869827, 32964742, internal data). In summary, the currently available evidence indicates that the variant is pathogenic, but additional data are needed to prove that conclusively. Therefore, this variant has been classified as Likely Pathogenic.

Literature cited by the submitters: PubMed 25589632; PubMed 23975875; PubMed 27869827; PubMed 32964742.